The following is an entry in ClinVar:

ClinVar aggregate classification (germline): Pathogenic. Review status: reviewed by expert panel (3 of 4 stars). 26 submissions from 25 submitters: Pathogenic (1). 25 of the submissions do not count toward it. Last evaluated 2026-07-28.

Conditions:
ABCA4-related retinopathy. Also called: ABCA4-related retinoapthy; ABCA4 retinoapthy. Identifiers: MedGen CN322612, MONDO:0800406.
ABCA4-related disorder. Also called: ABCA4-related disorders; ABCA4-related condition. Identifiers: MedGen CN239167.
Retinal dystrophy. Also called: Inherited retinal dystrophy. Identifiers: Orphanet 71862, MedGen C0854723, MeSH D058499, MONDO:0019118, HP:0000556.
Autosomal recessive retinitis pigmentosa. Identifiers: MedGen C0339526.
Age related macular degeneration 2. Also called: MACULAR DEGENERATION, SENILE; MACULOPATHY, AGE-RELATED, 2; MACULOPATHY, AGE-RELATED. Identifiers: MedGen C3495438, MONDO:0007932, OMIM 153800.
Retinitis pigmentosa 19 (RP19). Also called: ABCA4-Related Retinitis Pigmentosa. Identifiers: Orphanet 791, MedGen C1866422, MONDO:0011137, OMIM 601718.
Severe early-childhood-onset retinal dystrophy (STGD1). Also called: MACULAR DYSTROPHY WITH FLECKS, TYPE 1; STGD; Stargardt macular dystrophy; Juvenile onset macular degeneration; Stargardt disease 1. Identifiers: Orphanet 364055, Orphanet 827, MedGen C1855465, MeSH D000080362, MONDO:0009549, OMIM 248200.
maculopathy.
Retinal disorder. Also called: Retinopathy; Retinal disorders; Retinopathies; Retinal Diseases. Identifiers: MedGen C0035309, MONDO:0005283, HP:0000488.

Allele frequency attached by ClinVar (database versions not stated): gnomAD below 0.00001 and 0.00001; gnomAD exomes 0.00001 and 0.00003; ExAC 0.00005.

Submissions 1 to 10 of 26:

ClinGen ABCA4 Variant Curation Expert Panel, Clingen
Classification: Pathogenic for ABCA4-related retinopathy. Last evaluated: 2026-07-28. Review status: reviewed by expert panel. Criteria: ClinGen ABCA4 ACMG Specifications V1.0.0. Collection method: curation. Allele origin: germline. Inheritance: Autosomal recessive inheritance.
Comment: The NM_000350.3(ABCA4):c.5917del; p.Val1973Ter variant in ABCA4 is a nonsense variant predicted to cause a premature stop codon in biologically relevant exon 43 of 50 leading to nonsense mediated decay in a gene in which loss-of-function is an established disease mechanism (PVS1). The total minor allele frequency in gnomAD v4.1.0 is 0.00001363 (22/1613736 alleles), which is lower than the ClinGen ABCA4 VCEP’s threshold for PM2_Supporting (<0.0001). The prevalence of the variant in affected individuals is significantly increased compared with the prevalence in controls with an OR of 537.2 and CI is 145.66 to 5177.53, which is above the ABCA4 VCEP threshold of ≥5, where the CI does not contain 1 (PS4; PMID: 35120629). In summary, this variant meets the criteria to be classified as pathogenic for ABCA4-related retinopathy based on the ACMG/AMP criteria applied, as specified by the ClinGen ABCA4 VCEP (Specification Version 1.0): PVS1, PS4, PM2_Supporting.

CeGaT Center for Human Genetics Tuebingen
Classification: Pathogenic. Last evaluated: 2026-10-01. Review status: criteria provided, single submitter. Criteria: CeGaT Center For Human Genetics Tuebingen Variant Classification Criteria Version 2. Collection method: clinical testing. Allele origin: germline. Affected: yes. Observed: 16 variant alleles. Not counted in ClinVar's aggregate classification.
Comment: ABCA4: PM3:Very Strong, PVS1, PM2

PreventionGenetics, part of Exact Sciences
Classification: Pathogenic for ABCA4-related condition. Last evaluated: 2026-04-14. Review status: criteria provided, single submitter. Criteria: ACMG Guidelines, 2015. Collection method: clinical testing. Allele origin: germline. Not counted in ClinVar's aggregate classification.
Comment: The ABCA4 c.5917delG variant is predicted to result in premature protein termination (p.Val1973*). This variant has been reported in individuals with Stargardt disease or ABCA4-related retinal disease (see for examples: Dockery et al. 2017. PubMed ID: 29099798; Kamenarova et al. 2022. PubMed ID: 35656873; Riveiro-Alvarez et al. 2013. PubMed ID: 23755871). This variant is present in 0.016% of alleles in individuals of South Asian descent in gnomAD. Nonsense variants in ABCA4 are an established mechanism of disease. This variant is interpreted as pathogenic.

Labcorp Genetics (formerly Invitae), Labcorp
Classification: Pathogenic. Last evaluated: 2026-01-02. Review status: criteria provided, single submitter. Criteria: Invitae Variant Classification Sherloc (09022015). Collection method: clinical testing. Allele origin: germline. Not counted in ClinVar's aggregate classification.
Comment: This sequence change creates a premature translational stop signal (p.Val1973*) in the ABCA4 gene. It is expected to result in an absent or disrupted protein product. Loss-of-function variants in ABCA4 are known to be pathogenic (PMID: 10958761, 24938718, 25312043, 26780318). This variant is present in population databases (rs61751389, gnomAD 0.02%). This premature translational stop signal has been observed in individual(s) with Stargardt disease and inherited retinal disease (PMID: 28041643, 29099798). ClinVar contains an entry for this variant (Variation ID: 99419). For these reasons, this variant has been classified as Pathogenic.

GeneDx
Classification: Pathogenic. Last evaluated: 2025-06-10. Review status: criteria provided, single submitter. Criteria: GeneDx Variant Classification Process June 2021. Collection method: clinical testing. Allele origin: germline. Affected: yes. Not counted in ClinVar's aggregate classification.
Comment: Nonsense variant predicted to result in protein truncation or nonsense mediated decay in a gene for which loss of function is a known mechanism of disease; This variant is associated with the following publications: (PMID: 36338671, 35120629, 35260635, 31964843, 36460718, 28341476, 37644014, 37734845, 32531858, 34315337, 34758253, 23755871, 28041643, 10958763, 29555955, 29099798, 30576320, 32036094, 32581362, 34327195, 31589614, 32619608, 35836572, 35119454, 35656873, 38927702, 38309476, 38219857)

Blueprint Genetics
Classification: Pathogenic for ABCA4-related disorders. Last evaluated: 2024-11-23. Review status: criteria provided, single submitter. Criteria: ACMG Guidelines, 2015. Collection method: clinical testing. Allele origin: germline. Affected: yes. Observed: 5 variant alleles. Not counted in ClinVar's aggregate classification.

3billion
Classification: Pathogenic for ABCA4-related disorder. Last evaluated: 2024-10-17. Review status: criteria provided, single submitter. Criteria: ACMG Guidelines, 2015. Collection method: clinical testing. Allele origin: germline. Affected: yes. Not counted in ClinVar's aggregate classification.
Comment: The variant is observed at an extremely low frequency in the gnomAD v4.1.0 dataset (total allele frequency: 0.001%). Predicted Consequence/Location: Stop-gained (nonsense): predicted to result in a loss or disruption of normal protein function through nonsense-mediated decay (NMD) or protein truncation. Multiple pathogenic variants are reported downstream of the variant. The variant has been reported at least twice as pathogenic with clinical assertions and evidence for the classification (ClinVar ID: VCV000099419 /PMID: 10958763). Therefore, this variant is classified as Pathogenic according to the recommendation of ACMG/AMP guideline.

Ophthalmic Genetics Group, Institute of Molecular and Clinical Ophthalmology Basel
Classification: Pathogenic for Retinal dystrophy. Last evaluated: 2024-05-27. Review status: criteria provided, single submitter. Criteria: ACMG Guidelines, 2015. Collection method: research. Allele origin: germline. Affected: yes. Observed: 3 variant alleles. Not counted in ClinVar's aggregate classification.
Comment: This variant was classified as Pathogenic based on ACMG criteria: PVS1_very strong, PS4_mod and PM2_mod

North West Genomic Laboratory Hub, Manchester University NHS Foundation Trust
Classification: Pathogenic for Retinal disorders. Last evaluated: 2023-12-12. Review status: criteria provided, single submitter. Criteria: ACGS Best Practice Guidelines for Variant Classification in Rare Disease 2020. Collection method: clinical testing. Allele origin: germline. Affected: yes. Not counted in ClinVar's aggregate classification.
Comment: PM2_Mod PVS1_VStr PP4_Supp PM3_Str

Victorian Clinical Genetics Services, Murdoch Childrens Research Institute
Classification: Pathogenic for Severe early-childhood-onset retinal dystrophy. Last evaluated: 2023-07-17. Review status: criteria provided, single submitter. Criteria: ACMG Guidelines, 2015. Collection method: clinical testing. Allele origin: germline. Inheritance: Autosomal recessive inheritance. Not counted in ClinVar's aggregate classification.
Comment: Based on the classification scheme VCGS_Germline_v1.3.4, this variant is classified as Pathogenic. Following criteria are met: 0102 - Loss of function is a known mechanism of disease in this gene and is associated with Stargardt disease 1 (MIM#248200). (I) 0106 - This gene is associated with autosomal recessive disease. (I) 0115 - Variants in this gene are known to have variable expressivity (PMID: 31522899). (I) 0201 - Variant is predicted to cause nonsense-mediated decay (NMD) and loss of protein (premature termination codon is located at least 54 nucleotides upstream of the final exon-exon junction). (SP) 0251 - This variant is heterozygous. (I) 0304 - Variant is present in gnomAD <0.01 for a recessive condition (v2: 7 heterozygotes, 0 homozygotes). (SP) 0701 - Other NMD-predicted variants comparable to the one identified in this case have very strong previous evidence for pathogenicity (Clinvar, DECIPHER). (SP) 0801 - This variant has strong previous evidence of pathogenicity in unrelated individuals. It has been reported in at least ten Stargardt disease 1 (MIM#248200) patients and classified as pathogenic by diagnostic laboratories in ClinVar (PMID: 16303926, 24453473). (I) Legend: (SP) - Supporting pathogenic, (I) - Information, (SB) - Supporting benign

NM_000350.3(ABCA4):c.5917del (p.Gly1972_Val1973insTer)

Gene: ABCA4 (ATP binding cassette subfamily A member 4; minus strand). Cytogenetic location: 1p22.1.
Variant type: Deletion.
Coding change: c.5917del on transcript NM_000350.3 (MANE Select); coding-DNA position 5917, one base deleted (G; older notation c.5917delG).
Protein change: p.Gly1972_Val1973insTer.
Molecular consequence: nonsense. On other transcripts: frameshift variant (1).
Genome position (GRCh38, 1-based): chr1:94,007,722, C deleted on the plus strand (G on the coding strand, the reverse complement: ABCA4 is on the minus strand). VCF-style (leftmost placement, unchanged base first): chr1-94007721-AC-A. GRCh37 (hg19) VCF-style: chr1-94473277-AC-A.
Other names: NP_000341.2:p.(Val1973Ter); NM_000350.3(ABCA4):c.5917del; p.Gly1972_Val1973insTer; c.5917delG (NM_000350.3); c.5695delG, p.Val1899Terfs (NM_001425324.1); c.5917del (NM_000350.2).
Identifiers: ClinVar variation 99419 (VCV000099419.73), dbSNP rs61751389, ClinGen allele CA227355.